The following is an entry in ClinVar:

NM_001290321.3(DMXL1):c.2552G>A (p.Ser851Asn)

Gene: DMXL1 (Dmx like 1; plus strand). Cytogenetic location: 5q23.1.
Variant type: single nucleotide variant.
Coding change: c.2552G>A on transcript NM_001290321.3 (MANE Select); coding-DNA position 2552, G replaced by A.
Protein change: p.Ser851Asn; replaces serine 851 with asparagine.
Molecular consequence: missense variant. On other transcripts: non-coding transcript variant (3).
Genome position (GRCh38, 1-based): chr5:119,144,621, G>A. VCF-style: chr5-119144621-G-A. GRCh37 (hg19) VCF-style: chr5-118480316-G-A.
Other names: c.2552G>A, p.Ser851Asn (NM_001349239.2, NM_001349240.2, NM_001387933.1 and 2 more transcripts); c.1847G>A, p.Ser616Asn (NM_001387937.1); c.1907G>A, p.Ser636Asn (NM_001387938.1); short protein forms S616N, S636N, S851N.
Identifiers: ClinVar variation 3055502 (VCV003055502.2), dbSNP rs4895362, ClinGen allele CA3379719.
Genomic context (GRCh38, chr5:119,144,621, plus strand): 5'-ATGTTTTTGAAGAAGACTTCATTTTGAATAACCTTGAGAAGAAAAGCCTTGGCAAAGACA[G>A]CATTTTATCTAATGCAGGTAAGGAAGAATTATTTATGGAATGAGAAATACTATGTACAGT-3'
Protein context (NP_001277250.1, residues 841-861): NLEKKSLGKD[Ser851Asn]ILSNAGSSPN

ClinVar aggregate classification (germline): Benign (0 of 4 stars; one submission).

Conditions:
DMXL1-related disorder. Also called: DMXL1-related condition.

Allele frequency attached by ClinVar (database versions not stated): 1000 Genomes Project 0.02157; 1000 Genomes Project 30x 0.02327; ESP Exome Variant Server 0.04888.
gnomAD v4.1: 87,341 of 1,593,988 alleles (5.5%); highest among the groups gnomAD compares: Non-Finnish European, 6.4%; 2,856 homozygotes.

Submission:

PreventionGenetics, part of Exact Sciences
Classification: Benign for DMXL1-related condition. Last evaluated: 2020-02-24. Review status: no assertion criteria provided. Collection method: clinical testing. Allele origin: germline.
Comment: This variant is classified as benign based on ACMG/AMP sequence variant interpretation guidelines (Richards et al. 2015 PMID: 25741868, with internal and published modifications).